The following is an entry in ClinVar:

ClinVar aggregate classification (germline): Likely benign. Review status: criteria provided, multiple submitters, no conflicts (2 of 4 stars). 2 submissions from 2 submitters: Likely benign (2). Last evaluated 2025-08-21.

Conditions:
Congenital erythropoietic porphyria. Also called: Porphyria, Erythropoietic; Congenital porphyria; Günther disease; Uroporphyrinogen III synthase, deficiency of; UROPORPHYRINOGEN III SYNTHASE DEFICIENCY; GUNTHER DISEASE. Identifiers: Orphanet 79277, MedGen C5886774, MONDO:0009902, OMIM 263700.

Allele frequency attached by ClinVar (database versions not stated): ESP Exome Variant Server 0.00008; gnomAD 0.00024 and 0.00028; gnomAD exomes 0.00014 and 0.00035; TOPMed 0.00038; ExAC 0.00067; 1000 Genomes Project 30x 0.00031; 1000 Genomes Project 0.00040.
gnomAD v4.1: 251 of 1,609,414 alleles (0.016%); highest among the groups gnomAD compares: East Asian, 0.42%; no homozygotes.

Submissions (2):

Labcorp Genetics (formerly Invitae), Labcorp
Classification: Likely benign. Last evaluated: 2025-08-21. Review status: criteria provided, single submitter. Criteria: Invitae Variant Classification Sherloc (09022015). Collection method: clinical testing. Allele origin: germline.

Illumina Laboratory Services, Illumina
Classification: Likely benign for Congenital erythropoietic porphyria. Last evaluated: 2017-04-28. Review status: criteria provided, single submitter. Criteria: ICSL Variant Classification Criteria 13 December 2019. Collection method: clinical testing. Allele origin: germline.
Comment: This variant was observed as part of a predisposition screen in an ostensibly healthy population. A literature search was performed for the gene, cDNA change, and amino acid change (where applicable). No publications were found based on this search. Allele frequency data from public databases allowed determination this variant is unlikely to cause disease. Therefore, this variant is classified as likely benign.

NM_000375.3(UROS):c.740C>T (p.Thr247Met)

Gene: UROS (uroporphyrinogen III synthase; minus strand). Cytogenetic location: 10q26.2.
Variant type: single nucleotide variant.
Coding change: c.740C>T on transcript NM_000375.3 (MANE Select); coding-DNA position 740, C replaced by T.
Protein change: p.Thr247Met; replaces threonine 247 with methionine.
Molecular consequence: missense variant. On other transcripts: non-coding transcript variant (3).
Genome position (GRCh38, 1-based): chr10:125,788,926, G>A on the plus strand (C>T on the coding strand, the complement: UROS is on the minus strand). VCF-style: chr10-125788926-G-A. GRCh37 (hg19) VCF-style: chr10-127477495-G-A.
Other names: c.821C>T, p.Thr274Met (NM_001324036.2); c.740C>T, p.Thr247Met (NM_001324037.2); c.659C>T, p.Thr220Met (NM_001324038.2); short protein forms T220M, T247M, T274M.
Identifiers: ClinVar variation 878599 (VCV000878599.11), dbSNP rs199925121, ClinGen allele CA5738314.